The following is an entry in ClinVar:

ClinVar aggregate classification (germline): Uncertain significance (1 of 4 stars; one submission).

Conditions:
Hereditary cancer-predisposing syndrome. Also called: Neoplastic Syndromes, Hereditary; Tumor predisposition; Hereditary neoplastic syndrome; Hereditary Cancer Syndrome. Identifiers: Orphanet 140162, MedGen C0027672, MeSH D009386, MONDO:0015356.

Submission:

Ambry Genetics
Classification: Uncertain significance for Hereditary cancer-predisposing syndrome. Last evaluated: 2026-07-11. Review status: criteria provided, single submitter. Criteria: Ambry Variant Classification Scheme 2023. Collection method: clinical testing. Allele origin: germline.
Comment: The p.Q322R variant (also known as c.965A>G), located in coding exon 8 of the SDHA gene, results from an A to G substitution at nucleotide position 965. The glutamine at codon 322 is replaced by arginine, an amino acid with highly similar properties. This amino acid position is conserved. In addition, this alteration is predicted to be tolerated by in silico analysis. Based on the available evidence, the clinical significance of this variant remains unclear.

NM_004168.4(SDHA):c.965A>G (p.Gln322Arg)

Gene: SDHA (succinate dehydrogenase complex flavoprotein subunit A; plus strand). Cytogenetic location: 5p15.33.
Variant type: single nucleotide variant.
Coding change: c.965A>G on transcript NM_004168.4 (MANE Select); coding-DNA position 965, A replaced by G.
Protein change: p.Gln322Arg; replaces glutamine 322 with arginine.
Molecular consequence: missense variant.
Genome position (GRCh38, 1-based): chr5:233,546, A>G. VCF-style: chr5-233546-A-G. GRCh37 (hg19) VCF-style: chr5-233661-A-G.
Other names: c.821A>G, p.Gln274Arg (NM_001294332.2); c.965A>G, p.Gln322Arg (NM_001330758.2); short protein forms Q274R, Q322R.
Identifiers: ClinVar variation 5029197 (VCV005029197.1).
Genomic context (GRCh38, chr5:233,546, plus strand): 5'-GTGCTGGTTGTCTCATTACGGAAGGATGTCGTGGAGAGGGAGGCATTCTCATTAACAGTC[A>G]AGGCGAAAGGTTTATGGAGCGATACGCCCCTGTCGCGAAGGACCTGGCGTCTAGAGATGT-3'
Protein context (NP_004159.2, residues 312-332): RGEGGILINS[Gln322Arg]GERFMERYAP